The following is an entry in ClinVar:

NM_032861.4(SERAC1):c.1916G>C (p.Arg639Pro)

Gene: SERAC1 (serine active site containing 1; minus strand). Cytogenetic location: 6q25.3.
Variant type: single nucleotide variant.
Coding change: c.1916G>C on transcript NM_032861.4 (MANE Select); coding-DNA position 1916, G replaced by C.
Protein change: p.Arg639Pro; replaces arginine 639 with proline.
Molecular consequence: missense variant.
Genome position (GRCh38, 1-based): chr6:158,111,415, C>G on the plus strand (G>C on the coding strand, the complement: SERAC1 is on the minus strand). VCF-style: chr6-158111415-C-G. GRCh37 (hg19) VCF-style: chr6-158532447-C-G.
Other names: p.R639P:CGT>CCT; short protein forms R639P.
Identifiers: ClinVar variation 215146 (VCV000215146.11), dbSNP rs768913919, ClinGen allele CA322449.

ClinVar aggregate classification (germline): Uncertain significance. Review status: criteria provided, multiple submitters, no conflicts (2 of 4 stars). 2 submissions from 2 submitters: Uncertain significance (2). Last evaluated 2026-07-30.

Conditions:
3-methylglutaconic aciduria with deafness, encephalopathy, and Leigh-like syndrome (MEGDEL). Also called: MEGDEL syndrome; SERAC1 Deficiency; 3-METHYLGLUTACONIC ACIDURIA, TYPE VI. Identifiers: Orphanet 352328, MedGen C4040739, MONDO:0013875, OMIM 614739.

Submissions (2):

GeneDx
Classification: Uncertain significance. Last evaluated: 2026-07-30. Review status: criteria provided, single submitter. Criteria: GeneDx Variant Classification Process June 2021. Collection method: clinical testing. Allele origin: germline.
Comment: In silico analysis supports that this missense variant has a deleterious effect on protein structure/function; Not observed at significant frequency in large population cohorts (gnomAD); This variant is associated with the following publications: (PMID: 33613893, 40714654, 33533527, 33426169)

Labcorp Genetics (formerly Invitae), Labcorp
Classification: Uncertain significance for 3-methylglutaconic aciduria with deafness, encephalopathy, and Leigh-like syndrome. Last evaluated: 2022-11-01. Review status: criteria provided, single submitter. Criteria: Invitae Variant Classification Sherloc (09022015). Collection method: clinical testing. Allele origin: germline.
Comment: This sequence change replaces arginine, which is basic and polar, with proline, which is neutral and non-polar, at codon 639 of the SERAC1 protein (p.Arg639Pro). This variant is not present in population databases (gnomAD no frequency). This variant has not been reported in the literature in individuals affected with SERAC1-related conditions. ClinVar contains an entry for this variant (Variation ID: 215146). Advanced modeling of protein sequence and biophysical properties (such as structural, functional, and spatial information, amino acid conservation, physicochemical variation, residue mobility, and thermodynamic stability) has been performed at Invitae for this missense variant, however the output from this modeling did not meet the statistical confidence thresholds required to predict the impact of this variant on SERAC1 protein function. In summary, the available evidence is currently insufficient to determine the role of this variant in disease. Therefore, it has been classified as a Variant of Uncertain Significance.